The following is an entry in ClinVar:

ClinVar aggregate classification (germline): Uncertain significance (1 of 4 stars; one submission).

Conditions:
Gorlin syndrome. Also called: Nevoid Basal Cell Carcinoma Syndrome; Basal cell nevus syndrome. Identifiers: Orphanet 377, MedGen C0004779, MONDO:0007187.
Medulloblastoma (MDB). Also called: MEDULLOBLASTOMA PREDISPOSITION SYNDROME; Medulloblastoma, somatic. Identifiers: Orphanet 616, MedGen C0025149, MeSH D008527, MONDO:0007959, OMIM 155255, HP:0002885.

Submission:

Labcorp Genetics (formerly Invitae), Labcorp
Classification: Uncertain significance for Gorlin syndrome; Medulloblastoma. Last evaluated: 2023-06-20. Review status: criteria provided, single submitter. Criteria: Invitae Variant Classification Sherloc (09022015). Collection method: clinical testing. Allele origin: germline.
Comment: In summary, the available evidence is currently insufficient to determine the role of this variant in disease. Therefore, it has been classified as a Variant of Uncertain Significance. Advanced modeling of protein sequence and biophysical properties (such as structural, functional, and spatial information, amino acid conservation, physicochemical variation, residue mobility, and thermodynamic stability) performed at Invitae indicates that this missense variant is not expected to disrupt SUFU protein function. This variant has not been reported in the literature in individuals affected with SUFU-related conditions. This variant is not present in population databases (gnomAD no frequency). This sequence change replaces leucine, which is neutral and non-polar, with proline, which is neutral and non-polar, at codon 223 of the SUFU protein (p.Leu223Pro).

NM_016169.4(SUFU):c.668T>C (p.Leu223Pro)

Gene: SUFU (SUFU negative regulator of hedgehog signaling; plus strand). Cytogenetic location: 10q24.32.
Variant type: single nucleotide variant.
Coding change: c.668T>C on transcript NM_016169.4 (MANE Select); coding-DNA position 668, T replaced by C.
Protein change: p.Leu223Pro; replaces leucine 223 with proline.
Molecular consequence: missense variant.
Genome position (GRCh38, 1-based): chr10:102,593,706, T>C. VCF-style: chr10-102593706-T-C. GRCh37 (hg19) VCF-style: chr10-104353463-T-C.
Other names: c.668T>C, p.Leu223Pro (NM_001178133.2); short protein forms L223P.
Identifiers: ClinVar variation 2946423 (VCV002946423.3), dbSNP rs2545084995, ClinGen allele CA377909611.
Genomic context (GRCh38, chr10:102,593,706, plus strand): 5'-TCTGCACTGAAGAGCTACACTCAGCCCAGCAGTGGAACGGGCAGGGCATCCTGGAGCTGC[T>C]GCGGACAGTGCCTATGTGAGTACCCATGCAAGGTGGGAGCGCGGCTCCCTGGGCCTGGGG-3'
Protein context (NP_057253.2, residues 213-233): QWNGQGILEL[Leu223Pro]RTVPIAGGPW